The following is an entry in ClinVar:

NM_014946.4(SPAST):c.870+60A>C

Gene: SPAST (spastin; plus strand). Cytogenetic location: 2p22.3.
Variant type: single nucleotide variant.
Coding change: c.870+60A>C on transcript NM_014946.4 (MANE Select); 60 bases into the intron after coding-DNA position 870, A replaced by C.
Molecular consequence: intron variant.
Genome position (GRCh38, 1-based): chr2:32,114,885, A>C. VCF-style: chr2-32114885-A-C. GRCh37 (hg19) VCF-style: chr2-32339954-A-C.
Other names: c.774+60A>C (NM_199436.2, NM_001377959.1); c.867+60A>C (NM_001363823.2); c.771+60A>C (NM_001363875.2).
Identifiers: ClinVar variation 674637 (VCV000674637.1), dbSNP rs192431122, ClinGen allele CA44735520.
Genomic context (GRCh38, chr2:32,114,885, plus strand): 5'-GGTATTCTGGGACAGTAACTTTAATTGCTGTCTTTTTGCAAATAGAAAAATTTTTAAGAT[A>C]CTATTCCTGCTTAAGTTGATCATAAGTACTTTATAATACTTTAGAGAATGGATAAGTTTC-3'

ClinVar aggregate classification (germline): Likely benign (1 of 4 stars; one submission).

Allele frequency attached by ClinVar (database versions not stated): 1000 Genomes Project 30x 0.00062; 1000 Genomes Project 0.00080; TOPMed 0.00179; gnomAD 0.00260 and 0.00271; gnomAD exomes 0.00380.
gnomAD v4.1: 4,405 of 1,212,038 alleles (0.36%); highest among the groups gnomAD compares: Non-Finnish European, 0.4%; 26 homozygotes.

Submission:

GeneDx
Classification: Likely benign. Last evaluated: 2018-06-14. Review status: criteria provided, single submitter. Criteria: GeneDx Variant Classification (06012015). Collection method: clinical testing. Allele origin: germline. Affected: yes.
Comment: This variant is considered likely benign or benign based on one or more of the following criteria: it is a conservative change, it occurs at a poorly conserved position in the protein, it is predicted to be benign by multiple in silico algorithms, and/or has population frequency not consistent with disease.